The following is an entry in ClinVar:

ClinVar aggregate classification (germline): Uncertain significance (1 of 4 stars; one submission).

Conditions:
Cardiac arrhythmia. Also called: Cardiac rhythm disease; Arrhythmia. Identifiers: MedGen C0003811, MONDO:0007263, HP:0011675.

Submission:

Labcorp Genetics (formerly Invitae), Labcorp
Classification: Uncertain significance for Cardiac arrhythmia. Last evaluated: 2022-07-26. Review status: criteria provided, single submitter. Criteria: Invitae Variant Classification Sherloc (09022015). Collection method: clinical testing. Allele origin: germline.
Comment: In summary, the available evidence is currently insufficient to determine the role of this variant in disease. Therefore, it has been classified as a Variant of Uncertain Significance. ClinVar contains an entry for this variant (Variation ID: 1425505). This variant has not been reported in the literature in individuals affected with RANGRF-related conditions. This variant is not present in population databases (gnomAD no frequency). This sequence change creates a premature translational stop signal (p.Ile48*) in the RANGRF gene. It is expected to result in an absent or disrupted protein product. However, the current clinical and genetic evidence is not sufficient to establish whether loss-of-function variants in RANGRF cause disease.

NM_016492.5(RANGRF):c.142del (p.Leu47_Ile48insTer)

Genes: RANGRF (RAN guanine nucleotide release factor; plus strand), SLC25A35 (solute carrier family 25 member 35; minus strand), LOC130060241 (ATAC-STARR-seq lymphoblastoid active region 11693; plus strand). Cytogenetic location: 17p13.1.
Variant type: Deletion.
Coding change: c.142del on transcript NM_016492.5 (MANE Select); coding-DNA position 142, one base deleted (A; older notation c.142delA).
Protein change: p.Leu47_Ile48insTer.
Molecular consequence: nonsense. On other transcripts: 3 prime UTR variant (2), non-coding transcript variant (2), intron variant (1).
Genome position (GRCh38, 1-based): chr17:8,289,020, A deleted. VCF-style (leftmost placement, unchanged base first): chr17-8289019-GA-G. GRCh37 (hg19) VCF-style: chr17-8192337-GA-G.
Other names: c.142del, p.Leu47_Ile48insTer (NM_001177801.2, NM_001177802.2, NM_001330127.2); c.*463del (NM_001320872.2); c.*596del (NM_201520.3); c.*42+554del (NM_001320871.2).
Identifiers: ClinVar variation 1425505 (VCV001425505.7), dbSNP rs2151608535, ClinGen allele CA2573154578.